The following is an entry in ClinVar:

ClinVar aggregate classification (germline): Uncertain significance. Review status: criteria provided, multiple submitters, no conflicts (2 of 4 stars). 2 submissions from 2 submitters: Uncertain significance (2). Last evaluated 2022-09-01.

Allele frequency attached by ClinVar (database versions not stated): gnomAD exomes 0.00001; TOPMed 0.00001; ExAC 0.00002.

Submissions (2):

Labcorp Genetics (formerly Invitae), Labcorp
Classification: Uncertain significance. Last evaluated: 2022-09-01. Review status: criteria provided, single submitter. Criteria: Invitae Variant Classification Sherloc (09022015). Collection method: clinical testing. Allele origin: germline.
Comment: In summary, the available evidence is currently insufficient to determine the role of this variant in disease. Therefore, it has been classified as a Variant of Uncertain Significance. Algorithms developed to predict the effect of missense changes on protein structure and function output the following: SIFT: "Tolerated"; PolyPhen-2: "Benign"; Align-GVGD: "Class C0". The glutamic acid amino acid residue is found in multiple mammalian species, which suggests that this missense change does not adversely affect protein function. This variant has not been reported in the literature in individuals affected with RBP3-related conditions. This variant is present in population databases (rs782772727, gnomAD 0.02%). This sequence change replaces glycine, which is neutral and non-polar, with glutamic acid, which is acidic and polar, at codon 157 of the RBP3 protein (p.Gly157Glu).

Blueprint Genetics
Classification: Uncertain significance. Last evaluated: 2018-06-27. Review status: criteria provided, single submitter. Criteria: ACMG Guidelines, 2015. Collection method: clinical testing. Allele origin: germline.

NM_002900.3(RBP3):c.470G>A (p.Gly157Glu)

Gene: RBP3 (retinol binding protein 3; plus strand). Cytogenetic location: 10q11.22.
Variant type: single nucleotide variant.
Coding change: c.470G>A on transcript NM_002900.3 (MANE Select); coding-DNA position 470, G replaced by A.
Protein change: p.Gly157Glu; replaces glycine 157 with glutamic acid.
Molecular consequence: missense variant.
Genome position (GRCh38, 1-based): chr10:47,348,954, G>A. VCF-style: chr10-47348954-G-A. GRCh37 (hg19) VCF-style: chr10-48390408-C-T.
Other names: short protein forms G157E.
Identifiers: ClinVar variation 1938904 (VCV001938904.4), dbSNP rs782772727, ClinGen allele CA5487782.
Genomic context (GRCh38, chr10:47,348,954, plus strand): 5'-GCGTCCCGGGCCAGGAGGTGCTGAGCATGATGGGGGAGTTCCTGGTGGCCCACGTGTGGG[G>A]GAATCTCATGGGCACCTCCGCCTTAGTGCTGGATCTCCGGCACTGCACAGGAGGCCAGGT-3'
Protein context (NP_002891.1, residues 147-167): MGEFLVAHVW[Gly157Glu]NLMGTSALVL